The following is an entry in ClinVar:

ClinVar aggregate classification (germline): Likely benign. Review status: criteria provided, multiple submitters, no conflicts (2 of 4 stars). 3 submissions from 3 submitters: Likely benign (3). Last evaluated 2025-12-15.

Allele frequency attached by ClinVar (database versions not stated): 1000 Genomes Project 30x 0.00016; 1000 Genomes Project 0.00020.

Submissions (3):

Labcorp Genetics (formerly Invitae), Labcorp
Classification: Likely benign. Last evaluated: 2025-12-15. Review status: criteria provided, single submitter. Criteria: Invitae Variant Classification Sherloc (09022015). Collection method: clinical testing. Allele origin: germline.

Blueprint Genetics
Classification: Likely benign. Last evaluated: 2024-07-29. Review status: criteria provided, single submitter. Criteria: ACMG Guidelines, 2015. Collection method: clinical testing. Allele origin: germline.

GeneDx
Classification: Likely benign. Last evaluated: 2018-05-24. Review status: criteria provided, single submitter. Criteria: GeneDx Variant Classification (06012015). Collection method: clinical testing. Allele origin: germline. Affected: yes.
Comment: This variant is considered likely benign or benign based on one or more of the following criteria: it is a conservative change, it occurs at a poorly conserved position in the protein, it is predicted to be benign by multiple in silico algorithms, and/or has population frequency not consistent with disease.

NM_080680.3(COL11A2):c.4344C>A (p.Ile1448=)

Gene: COL11A2 (collagen type XI alpha 2 chain; minus strand). Cytogenetic location: 6p21.32.
Variant type: single nucleotide variant.
Coding change: c.4344C>A on transcript NM_080680.3 (MANE Select); coding-DNA position 4344, C replaced by A.
Protein change: p.Ile1448=; no amino-acid change (isoleucine 1448 retained).
Molecular consequence: synonymous variant.
Genome position (GRCh38, 1-based): chr6:33,166,561, G>T on the plus strand (C>A on the coding strand, the complement: COL11A2 is on the minus strand). VCF-style: chr6-33166561-G-T. GRCh37 (hg19) VCF-style: chr6-33134338-G-T.
Other names: c.4023C>A, p.Ile1341= (NM_080679.3); c.4086C>A, p.Ile1362= (NM_080681.3).
Identifiers: ClinVar variation 668258 (VCV000668258.7), dbSNP rs554269032, ClinGen allele CA3750124.
Genomic context (GRCh38, chr6:33,166,561, plus strand): 5'-GGCAGTACTCACGGGGAGGCCGGGGGGACCTCCAGGACCAATGGGGCCGGATGCTCCTGG[G>T]ATACCCTAGGAAGGGTAGTGGCTGGTTCAACTGGGTCCTCCTCCCACACCCTCCTGAGCA-3'
Protein context (NP_542411.2, residues 1438-1458): GSPGQKGEMG[Ile1448=]PGASGPIGPG